The following is an entry in ClinVar:

ClinVar aggregate classification (germline): Benign/Likely benign. Review status: criteria provided, multiple submitters, no conflicts (2 of 4 stars). 2 submissions from 2 submitters: Benign (1); Likely benign (1). Last evaluated 2025-03-07.

Conditions:
Hereditary cancer-predisposing syndrome. Also called: Hereditary Cancer Syndrome; Tumor predisposition; Hereditary neoplastic syndrome; Neoplastic Syndromes, Hereditary. Identifiers: Orphanet 140162, MedGen C0027672, MeSH D009386, MONDO:0015356.
Familial adenomatous polyposis 1 (FAP1). Also called: FAMILIAL ADENOMATOUS POLYPOSIS 1, ATTENUATED; POLYPOSIS, ADENOMATOUS INTESTINAL. Identifiers: MedGen C2713442, MONDO:0021056, OMIM 175100. Disease mechanism: loss of function.

Submissions (2):

Ambry Genetics
Classification: Likely benign for Hereditary cancer-predisposing syndrome. Last evaluated: 2025-03-07. Review status: criteria provided, single submitter. Criteria: Ambry Variant Classification Scheme 2023. Collection method: clinical testing. Allele origin: germline.

Myriad Genetics, Inc.
Classification: Benign for Familial adenomatous polyposis 1. Last evaluated: 2024-04-03. Review status: criteria provided, single submitter. Criteria: Myriad Autosomal Dominant, Autosomal Recessive and X-Linked Classification Criteria (2023). Collection method: clinical testing. Allele origin: unknown.
Comment: This variant is considered benign. This variant is a silent/synonymous amino acid change and it is not expected to impact splicing.

NM_000038.6(APC):c.5916C>A (p.Leu1972=)

Gene: APC (APC regulator of Wnt signaling pathway; plus strand). Cytogenetic location: 5q22.2.
Variant type: single nucleotide variant.
Coding change: c.5916C>A on transcript NM_000038.6 (MANE Select); coding-DNA position 5916, C replaced by A.
Protein change: p.Leu1972=; no amino-acid change (leucine 1972 retained).
Molecular consequence: synonymous variant. On other transcripts: non-coding transcript variant (2).
Genome position (GRCh38, 1-based): chr5:112,841,510, C>A. VCF-style: chr5-112841510-C-A. GRCh37 (hg19) VCF-style: chr5-112177207-C-A.
Other names: c.5916C>A, p.Leu1972= (NM_001127510.3, NM_001354895.2, NM_001407450.1); c.5862C>A, p.Leu1954= (NM_001127511.3); c.5970C>A, p.Leu1990= (NM_001354896.2, NM_001407447.1, NM_001407448.1 and 1 more transcripts); c.5946C>A, p.Leu1982= (NM_001354897.2); c.5841C>A, p.Leu1947= (NM_001354898.2); c.5832C>A, p.Leu1944= (NM_001354899.2); c.5793C>A, p.Leu1931= (NM_001354900.2); c.5739C>A, p.Leu1913= (NM_001354901.2, NM_001407453.1); and 12 more.
Identifiers: ClinVar variation 3254086 (VCV003254086.2), dbSNP rs1060504870.
Genomic context (GRCh38, chr5:112,841,510, plus strand): 5'-GAATTTTGCTATTGAAAATACTCCGGTTTGCTTTTCTCATAATTCCTCTCTGAGTTCTCT[C>A]AGTGACATTGACCAAGAAAACAACAATAAAGAAAATGAACCTATCAAAGAGACTGAGCCC-3'
Protein context (NP_000029.2, residues 1962-1982): CFSHNSSLSS[Leu1972=]SDIDQENNNK